The following is an entry in ClinVar:

ClinVar aggregate classification (germline): Pathogenic (1 of 4 stars; one submission).

Conditions:
Biotinidase deficiency. Also called: Biotin deficiency; BTD deficiency; Late-onset biotin-responsive multiple carboxylase deficiency. Identifiers: Orphanet 79241, MedGen C0220754, MONDO:0009665, OMIM 253260.

Submission:

Labcorp Genetics (formerly Invitae), Labcorp
Classification: Pathogenic for Biotinidase deficiency. Last evaluated: 2022-02-17. Review status: criteria provided, single submitter. Criteria: Invitae Variant Classification Sherloc (09022015). Collection method: clinical testing. Allele origin: germline.
Comment: This variant is not present in population databases (gnomAD no frequency). For these reasons, this variant has been classified as Pathogenic. This variant disrupts a region of the BTD protein in which other variant(s) (p.Ser311Argfs*23) have been determined to be pathogenic (PMID: 9396567, 10400129, 12359137, 17185019, 22698809, 25174816). This suggests that this is a clinically significant region of the protein, and that variants that disrupt it are likely to be disease-causing. ClinVar contains an entry for this variant (Variation ID: 935341). This variant has not been reported in the literature in individuals affected with BTD-related conditions. This sequence change creates a premature translational stop signal (p.Ile115Phefs*44) in the BTD gene. While this is not anticipated to result in nonsense mediated decay, it is expected to disrupt the last 429 amino acid(s) of the BTD protein.

Literature cited by the submitters: PubMed 9396567; PubMed 10400129; PubMed 12359137; PubMed 17185019; PubMed 22698809; PubMed 25174816.

NM_001370658.1(BTD):c.282del (p.Ile95fs)

Gene: BTD (biotinidase; plus strand). Cytogenetic location: 3p25.1.
Variant type: Deletion.
Coding change: c.282del on transcript NM_001370658.1 (MANE Select); coding-DNA position 282, one base deleted (C; older notation c.282delC).
Protein change: p.Ile95fs; shifts the reading frame from isoleucine 95.
Molecular consequence: frameshift variant.
Genome position (GRCh38, 1-based): chr3:15,641,940, C deleted. VCF-style (leftmost placement, unchanged base first): chr3-15641939-GC-G. GRCh37 (hg19) VCF-style: chr3-15683446-GC-G.
Other names: c.342delC, p.Ile115Phefs (NM_000060.4); c.282delC, p.Ile95Phefs (NM_001281723.4, NM_001281725.3, NM_001281726.3 and 33 more transcripts); c.282del, p.Ile95fs (NM_001281724.3, NM_001370752.1, NM_001370753.1); c.345delC, p.Ile116Phefs (NM_001407381.1); short protein forms I95fs.
Identifiers: ClinVar variation 935341 (VCV000935341.11), dbSNP rs2065521862, ClinGen allele CA1139655727.